The following is an entry in ClinVar:

NM_002480.3(PPP1R12A):c.254A>G (p.Asn85Ser)

Gene: PPP1R12A (protein phosphatase 1 regulatory subunit 12A; minus strand). Cytogenetic location: 12q21.2.
Variant type: single nucleotide variant.
Coding change: c.254A>G on transcript NM_002480.3 (MANE Select); coding-DNA position 254, A replaced by G.
Protein change: p.Asn85Ser; replaces asparagine 85 with serine.
Molecular consequence: missense variant. On other transcripts: 5 prime UTR variant (1).
Genome position (GRCh38, 1-based): chr12:79,872,922, T>C on the plus strand (A>G on the coding strand, the complement: PPP1R12A is on the minus strand). VCF-style: chr12-79872922-T-C. GRCh37 (hg19) VCF-style: chr12-80266702-T-C.
Other names: c.254A>G, p.Asn85Ser (NM_001143885.2, NM_001244990.2, NM_001244992.1); c.-8A>G (NM_001143886.2); short protein forms N85S.
Identifiers: ClinVar variation 2693785 (VCV002693785.3), dbSNP rs370959842, ClinGen allele CA6699950.

ClinVar aggregate classification (germline): Uncertain significance (1 of 4 stars; one submission).

Allele frequency attached by ClinVar (database versions not stated): ExAC 0.00002; gnomAD 0.00004; gnomAD exomes 0.00004; TOPMed 0.00004; ESP Exome Variant Server 0.00008.
gnomAD v4.1: 68 of 1,612,938 alleles (0.0042%); highest among the groups gnomAD compares: Non-Finnish European, 0.0053%; no homozygotes.

Submission:

Labcorp Genetics (formerly Invitae), Labcorp
Classification: Uncertain significance. Last evaluated: 2023-03-02. Review status: criteria provided, single submitter. Criteria: Invitae Variant Classification Sherloc (09022015). Collection method: clinical testing. Allele origin: germline.
Comment: In summary, the available evidence is currently insufficient to determine the role of this variant in disease. Therefore, it has been classified as a Variant of Uncertain Significance. An algorithm developed to predict the effect of missense changes on protein structure and function (PolyPhen-2) suggests that this variant is likely to be disruptive. This variant has not been reported in the literature in individuals affected with PPP1R12A-related conditions. This variant is present in population databases (rs370959842, gnomAD 0.005%). This sequence change replaces asparagine, which is neutral and polar, with serine, which is neutral and polar, at codon 85 of the PPP1R12A protein (p.Asn85Ser).